The following is an entry in ClinVar:

NM_052947.4(ALPK2):c.5524T>C (p.Ser1842Pro)

Gene: ALPK2 (alpha kinase 2; minus strand). Cytogenetic location: 18q21.31.
Variant type: single nucleotide variant.
Coding change: c.5524T>C on transcript NM_052947.4 (MANE Select); coding-DNA position 5524, T replaced by C.
Protein change: p.Ser1842Pro; replaces serine 1842 with proline.
Molecular consequence: missense variant.
Genome position (GRCh38, 1-based): chr18:58,524,040, A>G on the plus strand (T>C on the coding strand, the complement: ALPK2 is on the minus strand). VCF-style: chr18-58524040-A-G. GRCh37 (hg19) VCF-style: chr18-56191272-A-G.
Other names: short protein forms S1842P.
Identifiers: ClinVar variation 2450686 (VCV002450686.2), dbSNP rs376679273, ClinGen allele CA8976454.

ClinVar aggregate classification (germline): Uncertain significance (1 of 4 stars; one submission).

Allele frequency attached by ClinVar (database versions not stated): gnomAD exomes below 0.00001; ExAC 0.00001; ESP Exome Variant Server 0.00008.
gnomAD v4.1: 1 of 1,613,864 alleles (0.000062%); highest among the groups gnomAD compares: Non-Finnish European, 0.000085%; no homozygotes.

Submission:

Ambry Genetics
Classification: Uncertain significance. Last evaluated: 2022-11-07. Review status: criteria provided, single submitter. Criteria: Ambry Variant Classification Scheme 2023. Collection method: clinical testing. Allele origin: germline.
Comment: The p.S1842P variant (also known as c.5524T>C), located in coding exon 6 of the ALPK2 gene, results from a T to C substitution at nucleotide position 5524. The serine at codon 1842 is replaced by proline, an amino acid with similar properties. This amino acid position is conserved. In addition, the in silico prediction for this alteration is inconclusive. Since supporting evidence is limited at this time, the clinical significance of this alteration remains unclear.